The following is an entry in ClinVar:

ClinVar aggregate classification (germline): Likely pathogenic. Review status: criteria provided, multiple submitters, no conflicts (2 of 4 stars). 2 submissions from 2 submitters: Likely pathogenic (2). Last evaluated 2018-07-01.

Conditions:
Tubulinopathy. Also called: Tubulinopathies. Identifiers: MedGen CN850169, MONDO:0100153.
Lissencephaly due to TUBA1A mutation (CDCBM16). Also called: CORTICAL DYSPLASIA, COMPLEX, WITH OTHER BRAIN MALFORMATIONS 16; Lissencephaly 3. Identifiers: Orphanet 171680, MedGen C4305153, MONDO:0012703, OMIM 611603.

Submissions (2):

Institute of Human Genetics, FAU Erlangen, Friedrich-Alexander-Universität Erlangen-Nürnberg
Classification: Likely pathogenic for Tubulinopathies. Last evaluated: 2018-07-01. Review status: criteria provided, single submitter. Criteria: ACMG Guidelines, 2015. Collection method: literature only. Allele origin: germline. Affected: yes. Observed: 1 variant allele.
Comment: The c.162T>A, p.(Ser54Arg) variant has been reported as a variant of germline/unknown origin.

Genetic Services Laboratory, University of Chicago
Classification: Likely pathogenic for Lissencephaly 3. Last evaluated: 2013-06-28. Review status: criteria provided, single submitter. Criteria: ACMG Guidelines, 2007. Collection method: clinical testing. Allele origin: germline. Inheritance: Autosomal dominant inheritance. Affected: yes.

Literature cited by the submitters: PubMed 30744660 (cited by Institute of Human Genetics, FAU Erlangen, Friedrich-Alexander-Universität Erlangen-Nürnberg); DOI 10.1101/427948 (cited by Institute of Human Genetics, FAU Erlangen, Friedrich-Alexander-Universität Erlangen-Nürnberg).

NM_006009.4(TUBA1A):c.162T>A (p.Ser54Arg)

Gene: TUBA1A (tubulin alpha 1a; minus strand). Cytogenetic location: 12q13.12.
Variant type: single nucleotide variant.
Coding change: c.162T>A on transcript NM_006009.4 (MANE Select); coding-DNA position 162, T replaced by A.
Protein change: p.Ser54Arg; replaces serine 54 with arginine.
Molecular consequence: missense variant.
Genome position (GRCh38, 1-based): chr12:49,186,675, A>T on the plus strand (T>A on the coding strand, the complement: TUBA1A is on the minus strand). VCF-style: chr12-49186675-A-T. GRCh37 (hg19) VCF-style: chr12-49580458-A-T.
Other names: c.162T>A, p.Ser54Arg (NM_001270399.2); c.57T>A, p.Ser19Arg (NM_001270400.2); short protein forms S54R, S19R.
Identifiers: ClinVar variation 160150 (VCV000160150.7), dbSNP rs587784486, ClinGen allele CA213264.